The following is an entry in ClinVar:

ClinVar aggregate classification (germline): Uncertain significance. Review status: criteria provided, multiple submitters, no conflicts (2 of 4 stars). 3 submissions from 3 submitters: Uncertain significance (3). Last evaluated 2024-03-06.

Conditions:
Familial thoracic aortic aneurysm and aortic dissection (TAAD). Also called: Thoracic aortic aneurysms and dissections. Identifiers: Orphanet 91387, MedGen C4707243, MONDO:0019625.
Aortic aneurysm, familial thoracic 4 (AAT4). Also called: AORTIC ANEURYSM/AORTIC DISSECTION AND PATENT DUCTUS ARTERIOSUS. Identifiers: MedGen C1851504, MONDO:0007568, OMIM 132900.

Allele frequency attached by ClinVar (database versions not stated): gnomAD exomes below 0.00001 and 0.00001; gnomAD 0.00001; TOPMed 0.00001.
gnomAD v4.1: 20 of 1,613,794 alleles (0.0012%); highest among the groups gnomAD compares: Admixed American, 0.0033%; no homozygotes.

Submissions (3):

Color Diagnostics, LLC DBA Color Health
Classification: Uncertain significance for Familial thoracic aortic aneurysm and aortic dissection. Last evaluated: 2024-03-06. Review status: criteria provided, single submitter. Criteria: ACMG Guidelines, 2015. Collection method: clinical testing. Allele origin: germline.
Comment: This missense variant replaces alanine with threonine at codon 1905 of the MYH11 protein. Computational prediction suggests that this variant may not impact protein structure and function (internally defined REVEL score threshold <= 0.5, PMID: 27666373). To our knowledge, functional studies have not been reported for this variant. This variant has not been reported in individuals affected with MYH11-related disorders in the literature. This variant has been identified in 1/251244 chromosomes in the general population by the Genome Aggregation Database (gnomAD). The available evidence is insufficient to determine the role of this variant in disease conclusively. Therefore, this variant is classified as a Variant of Uncertain Significance.

Labcorp Genetics (formerly Invitae), Labcorp
Classification: Uncertain significance for Aortic aneurysm, familial thoracic 4. Last evaluated: 2023-11-14. Review status: criteria provided, single submitter. Criteria: Invitae Variant Classification Sherloc (09022015). Collection method: clinical testing. Allele origin: germline.
Comment: This sequence change replaces alanine, which is neutral and non-polar, with threonine, which is neutral and polar, at codon 1905 of the MYH11 protein (p.Ala1905Thr). This variant is present in population databases (no rsID available, gnomAD 0.005%). This variant has not been reported in the literature in individuals affected with MYH11-related conditions. ClinVar contains an entry for this variant (Variation ID: 921843). Advanced modeling of protein sequence and biophysical properties (such as structural, functional, and spatial information, amino acid conservation, physicochemical variation, residue mobility, and thermodynamic stability) performed at Invitae indicates that this missense variant is not expected to disrupt MYH11 protein function with a negative predictive value of 95%. In summary, the available evidence is currently insufficient to determine the role of this variant in disease. Therefore, it has been classified as a Variant of Uncertain Significance.

All of Us Research Program, National Institutes of Health
Classification: Uncertain significance for Familial thoracic aortic aneurysm and aortic dissection. Last evaluated: 2023-05-31. Review status: criteria provided, single submitter. Criteria: ACMG Guidelines, 2015. Collection method: clinical testing. Allele origin: germline. Inheritance: Autosomal dominant inheritance. Observed: 1 variant allele, 1 heterozygote.
Comment: This missense variant replaces alanine with threonine at codon 1905 of the MYH11 protein. Computational prediction suggests that this variant may not impact protein structure and function (internally defined REVEL score threshold <= 0.5, PMID: 27666373). To our knowledge, functional studies have not been reported for this variant. This variant has not been reported in individuals affected with cardiovascular disorders in the literature. This variant has been identified in 1/251244 chromosomes in the general population by the Genome Aggregation Database (gnomAD). The available evidence is insufficient to determine the role of this variant in disease conclusively. Therefore, this variant is classified as a Variant of Uncertain Significance.

This study involves interpretation of variants in research participants for the purpose of population health screening. Participant phenotype was not available at the time of variant classification. Additional details can be found in publication PMID: 35346344, PMCID: PMC8962531

NM_002474.3(MYH11):c.5692G>A (p.Ala1898Thr)

Genes: MYH11 (myosin heavy chain 11; minus strand), NDE1 (nudE neurodevelopment protein 1; plus strand). Cytogenetic location: 16p13.11.
Variant type: single nucleotide variant.
Coding change: c.5692G>A on transcript NM_002474.3 (MANE Select); coding-DNA position 5692, G replaced by A.
Protein change: p.Ala1898Thr; replaces alanine 1898 with threonine.
Molecular consequence: missense variant. On other transcripts: intron variant (2).
Genome position (GRCh38, 1-based): chr16:15,715,003, C>T on the plus strand (G>A on the coding strand, the complement: MYH11 is on the minus strand). VCF-style: chr16-15715003-C-T. GRCh37 (hg19) VCF-style: chr16-15808860-C-T.
Other names: c.5713G>A, p.Ala1905Thr (NM_001040113.2, NM_001040114.2); c.5692G>A, p.Ala1898Thr (NM_022844.3); c.948-9188C>T (NM_001143979.2, NM_017668.3); short protein forms A1898T, A1905T.
Identifiers: ClinVar variation 921843 (VCV000921843.12), dbSNP rs1363749589, ClinGen allele CA394846789.